The following is an entry in ClinVar:

ClinVar aggregate classification (germline): Likely benign. Review status: criteria provided, single submitter (1 of 4 stars). 2 submissions from 2 submitters: Likely benign (1). 1 of the submissions does not count toward it. Last evaluated 2024-02-01.

Allele frequency attached by ClinVar (database versions not stated): 1000 Genomes Project 30x 0.00094; 1000 Genomes Project 0.00120; ESP Exome Variant Server 0.00208; TOPMed 0.00232; gnomAD exomes 0.00301 and 0.00432; gnomAD 0.00812.
gnomAD v4.1: 5,075 of 1,613,964 alleles (0.31%); highest among the groups gnomAD compares: Non-Finnish European, 0.28%; 43 homozygotes.

Submissions (2):

CeGaT Center for Human Genetics Tuebingen
Classification: Likely benign. Last evaluated: 2024-02-01. Review status: criteria provided, single submitter. Criteria: CeGaT Center For Human Genetics Tuebingen Variant Classification Criteria Version 2. Collection method: clinical testing. Allele origin: germline. Affected: yes. Observed: 4 variant alleles.
Comment: PRDM1: BP4, BS2

ITMI
No classification provided. Condition: AllHighlyPenetrant. Last evaluated: 2013-09-19. Review status: no classification provided. Collection method: reference population. Allele origin: germline. Not counted in ClinVar's aggregate classification.
Comment: Please see associated publication for description of ethnicities

Literature cited by the submitters: PubMed 24728327 (cited by ITMI).

NM_001198.4(PRDM1):c.1348C>T (p.Leu450Phe)

Gene: PRDM1 (PR/SET domain 1; plus strand). Cytogenetic location: 6q21.
Variant type: single nucleotide variant.
Coding change: c.1348C>T on transcript NM_001198.4 (MANE Select); coding-DNA position 1348, C replaced by T.
Protein change: p.Leu450Phe; replaces leucine 450 with phenylalanine.
Molecular consequence: missense variant.
Genome position (GRCh38, 1-based): chr6:106,105,508, C>T. VCF-style: chr6-106105508-C-T. GRCh37 (hg19) VCF-style: chr6-106553383-C-T.
Other names: c.946C>T, p.Leu316Phe (NM_182907.3); short protein forms L450F, L316F.
Identifiers: ClinVar variation 135083 (VCV000135083.25), dbSNP rs141465160, ClinGen allele CA161632.
Genomic context (GRCh38, chr6:106,105,508, plus strand): 5'-AGCATGAATGGCATCAACAACTTTGGCCTCTTCCCGAGGCTGTGCCCTGTCTACAGCAAT[C>T]TCCTCGGTGGGGGCAGCCTGCCCCACCCCATGCTCAACCCCACTTCTCTCCCGAGCTCGC-3'
Protein context (NP_001189.2, residues 440-460): FPRLCPVYSN[Leu450Phe]LGGGSLPHPM